The following is an entry in ClinVar:

ClinVar aggregate classification (germline): Uncertain significance (1 of 4 stars; one submission).

Submission:

GeneDx
Classification: Uncertain significance. Last evaluated: 2019-08-19. Review status: criteria provided, single submitter. Criteria: GeneDx Variant Classification Process June 2021. Collection method: clinical testing. Allele origin: germline. Affected: yes.
Comment: Not observed in large population cohorts (Lek et al., 2016); In silico analysis, which includes protein predictors and evolutionary conservation, supports that this variant does not alter protein structure/function; Has not been previously published as pathogenic or benign to our knowledge; Variants in candidate genes are classified as variants of uncertain significance in accordance with ACMG guidelines (Richards et al., 2015)

NM_018367.7(ACER3):c.505C>T (p.Pro169Ser)

Gene: ACER3 (alkaline ceramidase 3; plus strand). Cytogenetic location: 11q13.5.
Variant type: single nucleotide variant.
Coding change: c.505C>T on transcript NM_018367.7 (MANE Select); coding-DNA position 505, C replaced by T.
Protein change: p.Pro169Ser; replaces proline 169 with serine.
Molecular consequence: missense variant.
Genome position (GRCh38, 1-based): chr11:77,015,023, C>T. VCF-style: chr11-77015023-C-T. GRCh37 (hg19) VCF-style: chr11-76726067-C-T.
Other names: c.394C>T, p.Pro132Ser (NM_001300953.2); c.220C>T, p.Pro74Ser (NM_001300954.2, NM_001300955.2); short protein forms P132S, P169S, P74S.
Identifiers: ClinVar variation 1307145 (VCV001307145.2), dbSNP rs2135323859, ClinGen allele CA381923942.